The following is an entry in ClinVar:

ClinVar aggregate classification (germline): Uncertain significance (1 of 4 stars; one submission).

Conditions:
Cardiovascular phenotype. Identifiers: MedGen CN230736.

Allele frequency attached by ClinVar (database versions not stated): gnomAD exomes below 0.00001.
gnomAD v4.1: 3 of 1,614,218 alleles (0.00019%); highest among the groups gnomAD compares: Non-Finnish European, 0.00025%; no homozygotes.

Submission:

Ambry Genetics
Classification: Uncertain significance for Cardiovascular phenotype. Last evaluated: 2021-04-09. Review status: criteria provided, single submitter. Criteria: Ambry Variant Classification Scheme 2023. Collection method: clinical testing. Allele origin: germline.
Comment: The p.T924A variant (also known as c.2770A>G), located in coding exon 16 of the SCN10A gene, results from an A to G substitution at nucleotide position 2770. The threonine at codon 924 is replaced by alanine, an amino acid with similar properties. This amino acid position is poorly conserved in available vertebrate species. In addition, this alteration is predicted to be tolerated by in silico analysis. Since supporting evidence is limited at this time, the clinical significance of this alteration remains unclear.

NM_006514.4(SCN10A):c.2770A>G (p.Thr924Ala)

Gene: SCN10A (sodium voltage-gated channel alpha subunit 10; minus strand). Cytogenetic location: 3p22.2.
Variant type: single nucleotide variant.
Coding change: c.2770A>G on transcript NM_006514.4 (MANE Select); coding-DNA position 2770, A replaced by G.
Protein change: p.Thr924Ala; replaces threonine 924 with alanine.
Molecular consequence: missense variant.
Genome position (GRCh38, 1-based): chr3:38,726,923, T>C on the plus strand (A>G on the coding strand, the complement: SCN10A is on the minus strand). VCF-style: chr3-38726923-T-C. GRCh37 (hg19) VCF-style: chr3-38768414-T-C.
Other names: c.2770A>G, p.Thr924Ala (NM_001293306.2); c.2476A>G, p.Thr826Ala (NM_001293307.2); short protein forms T924A, T826A.
Identifiers: ClinVar variation 1795805 (VCV001795805.2), dbSNP rs2470672725, ClinGen allele CA352158598.
Genomic context (GRCh38, chr3:38,726,923, plus strand): 5'-CTGCCTTGGGCTGGGGGAATGGGCAGGACCTGCTGAAGAAGCTGCAAAGAGCCTGTTTGG[T>C]ACGATGGCCAAAGACCTGGATCCGTGCCAGGGCCACCTGCAGGTTGTTCACCTCCCCATC-3'
Protein context (NP_006505.4, residues 914-934): LARIQVFGHR[Thr924Ala]KQALCSFFSR